The following is an entry in ClinVar:

NM_001365088.1(SLC12A6):c.2935-261A>G

Gene: SLC12A6 (solute carrier family 12 member 6; minus strand). Cytogenetic location: 15q14.
Variant type: single nucleotide variant.
Coding change: c.2935-261A>G on transcript NM_001365088.1 (MANE Select); 261 bases into the intron before coding-DNA position 2935, A replaced by G.
Molecular consequence: intron variant.
Genome position (GRCh38, 1-based): chr15:34,237,076, T>C on the plus strand (A>G on the coding strand, the complement: SLC12A6 is on the minus strand). VCF-style: chr15-34237076-T-C. GRCh37 (hg19) VCF-style: chr15-34529277-T-C.
Other names: c.2758-261A>G (NM_001042495.2, NM_001042494.2); c.2908-261A>G (NM_001042496.2); c.2890-261A>G (NM_001042497.2); c.2935-261A>G (NM_133647.2); c.2782-261A>G (NM_005135.2).
Identifiers: ClinVar variation 671684 (VCV000671684.2), dbSNP rs16958875, ClinGen allele CA15851149.
Genomic context (GRCh38, chr15:34,237,076, plus strand): 5'-TTTCCATAATCTAACCAAGACATGTGTTGCCTTGAAACACAAAATACAAACTCCAGTCTC[T>C]CTTTTTTATACTGTTAGGTTTTTTTTAAAAGCCATGTGTGATTTTAAGCTGAATATATGA-3'

ClinVar aggregate classification (germline): Benign. Review status: criteria provided, multiple submitters, no conflicts (2 of 4 stars). 2 submissions from 2 submitters: Benign (2). Last evaluated 2018-06-20.

Allele frequency attached by ClinVar (database versions not stated): gnomAD exomes 0.11973; 1000 Genomes Project 0.14277; 1000 Genomes Project 30x 0.14710; gnomAD 0.15261 and 0.15587; TOPMed 0.15433.
gnomAD v4.1: 64,829 of 498,668 alleles (13%); highest among the groups gnomAD compares: African/African-American, 26%; 5,092 homozygotes.

Submissions (2):

GeneDx
Classification: Benign. Last evaluated: 2018-06-20. Review status: criteria provided, single submitter. Criteria: GeneDx Variant Classification (06012015). Collection method: clinical testing. Allele origin: germline. Affected: yes.
Comment: This variant is considered likely benign or benign based on one or more of the following criteria: it is a conservative change, it occurs at a poorly conserved position in the protein, it is predicted to be benign by multiple in silico algorithms, and/or has population frequency not consistent with disease.

Breakthrough Genomics
Classification: Benign. Review status: criteria provided, single submitter. Criteria: ACMG Guidelines, 2015. Collection method: not provided. Allele origin: germline. Inheritance: Autosomal recessive inheritance. Affected: yes.